The following is an entry in ClinVar:

ClinVar aggregate classification (germline): Uncertain significance. Review status: criteria provided, multiple submitters, no conflicts (2 of 4 stars). 2 submissions from 2 submitters: Uncertain significance (2). Last evaluated 2025-07-05.

Conditions:
Cardiovascular phenotype. Identifiers: MedGen CN230736.
Distal myopathy with posterior leg and anterior hand involvement. Also called: WILLIAMS DISTAL MYOPATHY. Identifiers: Orphanet 63273, MedGen C3279722, MONDO:0013550, OMIM 614065.
Myofibrillar myopathy 5. Also called: Filaminopathy (type); FILAMINOPATHY, AUTOSOMAL DOMINANT. Identifiers: Orphanet 171445, MedGen C1836050, MONDO:0012289, OMIM 609524.
Hypertrophic cardiomyopathy 26. Also called: Cardiomyopathy, familial hypertrophic, 26. Identifiers: Orphanet 75249, MedGen C4310749, MONDO:0014883, OMIM 617047.

Allele frequency attached by ClinVar (database versions not stated): TOPMed 0.00002.
gnomAD v4.1: 6 of 1,614,154 alleles (0.00037%); highest among the groups gnomAD compares: Non-Finnish European, 0.00051%; no homozygotes.

Submissions (2):

Labcorp Genetics (formerly Invitae), Labcorp
Classification: Uncertain significance for Distal myopathy with posterior leg and anterior hand involvement; Myofibrillar myopathy 5; Hypertrophic cardiomyopathy 26. Last evaluated: 2025-07-05. Review status: criteria provided, single submitter. Criteria: Invitae Variant Classification Sherloc (09022015). Collection method: clinical testing. Allele origin: germline.
Comment: This sequence change replaces isoleucine, which is neutral and non-polar, with valine, which is neutral and non-polar, at codon 1387 of the FLNC protein (p.Ile1387Val). This variant is present in population databases (no rsID available, gnomAD 0.002%). This variant has not been reported in the literature in individuals affected with FLNC-related conditions. ClinVar contains an entry for this variant (Variation ID: 472063). Invitae Evidence Modeling of protein sequence and biophysical properties (such as structural, functional, and spatial information, amino acid conservation, physicochemical variation, residue mobility, and thermodynamic stability) has been performed for this missense variant. However, the output from this modeling did not meet the statistical confidence thresholds required to predict the impact of this variant on FLNC protein function. In summary, the available evidence is currently insufficient to determine the role of this variant in disease. Therefore, it has been classified as a Variant of Uncertain Significance.

Ambry Genetics
Classification: Uncertain significance for Cardiovascular phenotype. Last evaluated: 2020-03-26. Review status: criteria provided, single submitter. Criteria: Ambry Variant Classification Scheme 2023. Collection method: clinical testing. Allele origin: germline.
Comment: The p.I1387V variant (also known as c.4159A>G), located in coding exon 24 of the FLNC gene, results from an A to G substitution at nucleotide position 4159. The isoleucine at codon 1387 is replaced by valine, an amino acid with highly similar properties. This amino acid position is well conserved in available vertebrate species; however, valine is the reference amino acid in other vertebrate species. In addition, this alteration is predicted to be tolerated by in silico analysis. Since supporting evidence is limited at this time, the clinical significance of this alteration remains unclear.

NM_001458.5(FLNC):c.4159A>G (p.Ile1387Val)

Gene: FLNC (filamin C; plus strand). Cytogenetic location: 7q32.1.
Variant type: single nucleotide variant.
Coding change: c.4159A>G on transcript NM_001458.5 (MANE Select); coding-DNA position 4159, A replaced by G.
Protein change: p.Ile1387Val; replaces isoleucine 1387 with valine.
Molecular consequence: missense variant.
Genome position (GRCh38, 1-based): chr7:128,846,776, A>G. VCF-style: chr7-128846776-A-G. GRCh37 (hg19) VCF-style: chr7-128486830-A-G.
Other names: c.4159A>G, p.Ile1387Val (NM_001127487.2); short protein forms I1387V.
Identifiers: ClinVar variation 472063 (VCV000472063.11), dbSNP rs1032003580, ClinGen allele CA166181881.